The following is an entry in ClinVar:

Conditions:
Breast-ovarian cancer, familial, susceptibility to, 1 (BROVCA1). Also called: BRCA1 Hereditary Breast and Ovarian Cancer; OVARIAN CANCER, SUSCEPTIBILITY TO. Identifiers: Orphanet 145, MedGen C2676676, MONDO:0011450, OMIM 604370. Disease mechanism: loss of function.

Allele frequency attached by ClinVar (database versions not stated): ExAC 0.00001; gnomAD exomes 0.00001.
gnomAD v4.1: 7 of 1,609,086 alleles (0.00044%); highest among the groups gnomAD compares: South Asian, 0.0077%; no homozygotes.

Submission:

Brotman Baty Institute, University of Washington
No classification provided (evidence only). Condition: Breast-ovarian cancer, familial 1. Review status: no classification provided. Collection method: in vitro. Allele origin: not applicable. Functional consequence: functionally_normal.
ClinVar note: "not provided" was previously submitted as the classification for the variant. However, the classification appeared to be based only on an observation of functional data so it was converted to no classification on 2025-07-30.

NM_007294.4(BRCA1):c.134+23G>A

Gene: BRCA1 (BRCA1 DNA repair associated; minus strand). Cytogenetic location: 17q21.31.
Variant type: single nucleotide variant.
Coding change: c.134+23G>A on transcript NM_007294.4 (MANE Select); 23 bases into the intron after coding-DNA position 134, G replaced by A.
Molecular consequence: intron variant.
Genome position (GRCh38, 1-based): chr17:43,115,703, C>T on the plus strand (G>A on the coding strand, the complement: BRCA1 is on the minus strand). VCF-style: chr17-43115703-C-T. GRCh37 (hg19) VCF-style: chr17-41267720-C-T.
Other names: c.134+23G>A (NM_001407591.1, NM_001408441.1, NM_001408437.1 and 191 more transcripts); c.-124+23G>A (NM_001407724.1, NM_001407746.1, NM_001408468.1 and 13 more transcripts); c.-8+23G>A (NM_001407697.1, NM_001407838.1, NM_001408410.1 and 47 more transcripts); c.-55+23G>A (NM_001408483.1, NM_001407885.1, NM_001407886.1 and 52 more transcripts); c.-219+9574G>A (NM_001407967.1); c.-170+9574G>A (NM_001407959.1); c.-7-9170G>A (NM_001407931.1, NM_001407747.1, NM_001408511.1 and 2 more transcripts); c.-170+23G>A (NM_001407962.1, NM_001408512.1, NM_001408510.1 and 1 more transcripts); and 10 more.
Identifiers: ClinVar variation 867247 (VCV000867247.3), dbSNP rs781568696, ClinGen allele CA053001.